The following is an entry in ClinVar:

NM_006343.3(MERTK):c.1750A>C (p.Arg584=)

Gene: MERTK (MER proto-oncogene, tyrosine kinase; plus strand). Cytogenetic location: 2q13.
Variant type: single nucleotide variant.
Coding change: c.1750A>C on transcript NM_006343.3 (MANE Select); coding-DNA position 1750, A replaced by C.
Protein change: p.Arg584=; no amino-acid change (arginine 584 retained).
Molecular consequence: synonymous variant.
Genome position (GRCh38, 1-based): chr2:112,003,151, A>C. VCF-style: chr2-112003151-A-C. GRCh37 (hg19) VCF-style: chr2-112760728-A-C.
Identifiers: ClinVar variation 728066 (VCV000728066.11), dbSNP rs199937492, ClinGen allele CA1831531.
Genomic context (GRCh38, chr2:112,003,151, plus strand): 5'-GTACATAGCTTGGGAGTCAGTGAGGAACTACAAAATAAACTAGAAGATGTTGTGATTGAC[A>C]GGAATCTTCTAATTCTTGGAAAAATTCTGGGTGAAGGTAAGCAATTTAAAGTAATTCTTT-3'
Protein context (NP_006334.2, residues 574-594): QNKLEDVVID[Arg584=]NLLILGKILG

ClinVar aggregate classification (germline): Likely benign. Review status: criteria provided, multiple submitters, no conflicts (2 of 4 stars). 3 submissions from 3 submitters: Likely benign (3). Last evaluated 2025-09-02.

Conditions:
MERTK-related disorder. Also called: MERTK-related condition.

Allele frequency attached by ClinVar (database versions not stated): gnomAD 0.00002; gnomAD exomes 0.00002 and 0.00014; ExAC 0.00008; TOPMed 0.00012; 1000 Genomes Project 30x 0.00016; 1000 Genomes Project 0.00020.

Submissions (3):

Labcorp Genetics (formerly Invitae), Labcorp
Classification: Likely benign. Last evaluated: 2025-09-02. Review status: criteria provided, single submitter. Criteria: Invitae Variant Classification Sherloc (09022015). Collection method: clinical testing. Allele origin: germline.

PreventionGenetics, part of Exact Sciences
Classification: Likely benign for MERTK-related condition. Last evaluated: 2025-01-17. Review status: criteria provided, single submitter. Criteria: ACMG Guidelines, 2015. Collection method: clinical testing. Allele origin: germline.
Comment: This variant is classified as likely benign based on ACMG/AMP sequence variant interpretation guidelines (Richards et al. 2015 PMID: 25741868, with internal and published modifications).

Blueprint Genetics
Classification: Likely benign. Last evaluated: 2022-02-21. Review status: criteria provided, single submitter. Criteria: ACMG Guidelines, 2015. Collection method: clinical testing. Allele origin: germline.